The following is an entry in ClinVar:

NM_014423.4(AFF4):c.744A>T (p.Ser248=)

Gene: AFF4 (ALF transcription elongation factor 4; minus strand). Cytogenetic location: 5q31.1.
Variant type: single nucleotide variant.
Coding change: c.744A>T on transcript NM_014423.4 (MANE Select); coding-DNA position 744, A replaced by T.
Protein change: p.Ser248=; no amino-acid change (serine 248 retained).
Molecular consequence: synonymous variant.
Genome position (GRCh38, 1-based): chr5:132,934,321, T>A on the plus strand (A>T on the coding strand, the complement: AFF4 is on the minus strand). VCF-style: chr5-132934321-T-A. GRCh37 (hg19) VCF-style: chr5-132270013-T-A.
Identifiers: ClinVar variation 4999044 (VCV004999044.1).
Genomic context (GRCh38, chr5:132,934,321, plus strand): 5'-TGGTTCCATGGACTCCTGTCCGTCCATGGGCCGCACATAGGCAGTGGGTTTCTGTAACAT[T>A]GAATTGGACTTTGACATCAATGAGGGTGGGAAAGATTGAGTTGAGTGCTGCCCACTTGAA-3'
Protein context (NP_055238.1, residues 238-258): FPPSLMSKSN[Ser248=]MLQKPTAYVR

ClinVar aggregate classification (germline): Uncertain significance (1 of 4 stars; one submission).

Conditions:
AFF4-related disorder. Also called: AFF4-related condition.

Submission:

PreventionGenetics, part of Exact Sciences
Classification: Uncertain significance for AFF4-related condition. Last evaluated: 2025-01-30. Review status: criteria provided, single submitter. Criteria: ACMG Guidelines, 2015. Collection method: clinical testing. Allele origin: germline.
Comment: The AFF4 c.744A>T variant is not predicted to result in an amino acid change (p.=). To our knowledge, this variant has not been reported in the literature or in a large population database (gnomAD), indicating this variant is rare. This variant is predicted to enhance a nearby cryptic splice site according to in silico splicing algorithms (SpliceAI, Jaganathan et al. 2019. PubMed ID: 30661751; Alamut Visual Plus v1.6.1). However, the use of computer prediction programs is not equivalent to functional evidence. At this time, the clinical significance of this variant is uncertain due to the absence of conclusive functional and genetic evidence.